The following is an entry in ClinVar:

ClinVar aggregate classification (germline): Benign. Review status: criteria provided, multiple submitters, no conflicts (2 of 4 stars). 24 submissions from 24 submitters: Benign (14). 10 of the submissions do not count toward it. Last evaluated 2026-02-04.

Conditions:
Hereditary cancer-predisposing syndrome. Also called: Neoplastic Syndromes, Hereditary; Tumor predisposition; Hereditary Cancer Syndrome; Hereditary neoplastic syndrome. Identifiers: Orphanet 140162, MedGen C0027672, MeSH D009386, MONDO:0015356.
Familial multiple polyposis syndrome (FAP). Also called: Familial polyposis; Familial adenomatous polyposis; Familial intestinal polyposis; Familial Adenomatous Polyposis (FAP); Classic familial adenomatous polyposis. Identifiers: Orphanet 733, MedGen C0032580, MONDO:0021055. Disease mechanism: loss of function.
Carcinoma of colon (CRC). Also called: Colon carcinoma; Colonic carcinoma. Identifiers: MedGen C0699790, MONDO:0002032.
Familial adenomatous polyposis 2. Also called: ADENOMAS, MULTIPLE COLORECTAL, AUTOSOMAL RECESSIVE; MUTYH Polyposis; Adenomas, multiple colorectal; FAP type 2; MYH-associated polyposis; MUTYH-related attenuated familial adenomatous polyposis. Identifiers: Orphanet 220460, Orphanet 247798, MedGen C3272841, MONDO:0012041, OMIM 608456.

Allele frequency attached by ClinVar (database versions not stated): gnomAD 0.26720 and 0.26909; TOPMed 0.28665; 1000 Genomes Project 30x 0.31496; 1000 Genomes Project 0.31350; ESP Exome Variant Server 0.25411; gnomAD exomes 0.25969 and 0.29002; ExAC 0.29668.
gnomAD v4.1: 418,548 of 1,603,502 alleles (26%); highest among the groups gnomAD compares: Admixed American, 46%; 56,797 homozygotes.

Submissions (24):

Labcorp Genetics (formerly Invitae), Labcorp
Classification: Benign for Familial adenomatous polyposis 2. Last evaluated: 2026-02-04. Review status: criteria provided, single submitter. Criteria: Invitae Variant Classification Sherloc (09022015). Collection method: clinical testing. Allele origin: germline.

ARUP Laboratories, Molecular Genetics and Genomics, ARUP Laboratories
Classification: Benign. Last evaluated: 2025-07-30. Review status: criteria provided, single submitter. Criteria: ARUP Molecular Germline Variant Investigation Process 2024. Collection method: clinical testing. Allele origin: germline.

GeneKor MSA
Classification: Benign for Hereditary cancer-predisposing syndrome. Last evaluated: 2025-07-10. Review status: criteria provided, single submitter. Criteria: ACMG Guidelines, 2015. Collection method: clinical testing. Allele origin: germline.

Blueprint Genetics
Classification: Benign. Last evaluated: 2024-11-26. Review status: criteria provided, single submitter. Criteria: ACMG Guidelines, 2015. Collection method: clinical testing. Allele origin: germline.

All of Us Research Program, National Institutes of Health
Classification: Benign for Familial adenomatous polyposis 2. Last evaluated: 2024-10-02. Review status: criteria provided, single submitter. Criteria: ACMG Guidelines, 2015. Collection method: clinical testing. Allele origin: germline. Inheritance: Autosomal recessive inheritance. Observed: 66,786 variant alleles, 55,623 heterozygotes, 11,148 homozygotes, 15 hemizygotes.
Comment: This study involves interpretation of variants in research participants for the purpose of population health screening. Participant phenotype was not available at the time of variant classification. Additional details can be found in publication PMID: 35346344, PMCID: PMC8962531

KCCC/NGS Laboratory, Kuwait Cancer Control Center
Classification: Benign for Familial adenomatous polyposis 2. Last evaluated: 2023-07-07. Review status: criteria provided, single submitter. Criteria: ACMG Guidelines, 2015. Collection method: clinical testing. Allele origin: germline. Affected: yes.

Illumina Laboratory Services, Illumina
Classification: Benign for Familial adenomatous polyposis 2. Last evaluated: 2018-03-06. Review status: criteria provided, single submitter. Criteria: ICSL Variant Classification Criteria 13 December 2019. Collection method: clinical testing. Allele origin: germline.
Comment: This variant was observed in the ICSL laboratory as part of a predisposition screen in an ostensibly healthy population. It had not been previously curated by ICSL or reported in the Human Gene Mutation Database (HGMD: prior to June 1st, 2018), and was therefore a candidate for classification through an automated scoring system. Utilizing variant allele frequency, disease prevalence and penetrance estimates, and inheritance mode, an automated score was calculated to assess if this variant is too frequent to cause the disease. Based on the score and internal cut-off values, a variant classified as benign is not then subjected to further curation. The score for this variant resulted in a classification of benign for this disease.

Laboratory for Molecular Medicine, Mass General Brigham Personalized Medicine
Classification: Benign. Last evaluated: 2017-05-12. Review status: criteria provided, single submitter. Criteria: LMM Criteria. Collection method: clinical testing. Allele origin: germline. Observed: 1 variant allele.
Comment: p.Ser372Phe in exon 12 of MUTYH: This variant is not expected to have clinical s ignificance because it has been identified in 49% (15851/32596) of Latino chromo somes by the Genome Aggregation Database (gnomAD, rg; dbSNP rs3219489).

Color Diagnostics, LLC DBA Color Health
Classification: Benign for Hereditary cancer-predisposing syndrome. Last evaluated: 2015-03-27. Review status: criteria provided, single submitter. Criteria: ACMG Guidelines, 2015. Collection method: clinical testing. Allele origin: germline.

GeneDx
Classification: Benign. Last evaluated: 2015-03-03. Review status: criteria provided, single submitter. Criteria: GeneDx Variant Classification Process June 2021. Collection method: clinical testing. Allele origin: germline. Affected: yes.
Comment: This variant is associated with the following publications: (PMID: 23108399, 22703879, 22780951, 22926731, 18422726, 20149637, 22466227, 18823566, 19161591, 23499241, 23460202, 24728327, 18534194, 26377631, 25820570, 27153395, 29954149, 28628107, 27705013, 31027119, 30564557, 23618615, 31104418)

Eurofins Ntd Llc (ga)
Classification: Benign. Last evaluated: 2014-11-12. Review status: criteria provided, single submitter. Criteria: EGL Classification Definitions 2015. Collection method: clinical testing. Allele origin: germline. Observed: 12 variant alleles, 11 heterozygotes, 1 homozygote.

Ambry Genetics
Classification: Benign for Hereditary cancer-predisposing syndrome. Last evaluated: 2014-10-28. Review status: criteria provided, single submitter. Criteria: Ambry Variant Classification Scheme 2023. Collection method: clinical testing. Allele origin: germline.

Breakthrough Genomics
Classification: Benign. Review status: criteria provided, single submitter. Criteria: ACMG Guidelines, 2015. Collection method: not provided. Allele origin: germline. Inheritance: Autosomal recessive inheritance. Affected: yes.

PreventionGenetics, part of Exact Sciences
Classification: Benign. Review status: criteria provided, single submitter. Criteria: ACMG Guidelines, 2015. Collection method: clinical testing. Allele origin: germline.

Institute for Biomarker Research, Medical Diagnostic Laboratories, L.L.C.
Classification: Benign for Hereditary cancer-predisposing syndrome. Last evaluated: 2021-12-21. Review status: no assertion criteria provided. Collection method: clinical testing. Allele origin: germline. Not counted in ClinVar's aggregate classification.

Pathway Genomics
Classification: Benign for Carcinoma of colon. Last evaluated: 2014-07-24. Review status: no assertion criteria provided. Collection method: clinical testing. Allele origin: germline. Not counted in ClinVar's aggregate classification.

ITMI
No classification provided. Condition: AllHighlyPenetrant. Last evaluated: 2013-09-19. Review status: no classification provided. Collection method: reference population. Allele origin: germline. Not counted in ClinVar's aggregate classification.
Comment: Please see associated publication for description of ethnicities

Biesecker Lab/Clinical Genomics Section, National Institutes of Health
Classification: Benign. Last evaluated: 2012-07-13. Review status: no assertion criteria provided. Collection method: research. Allele origin: germline. Affected: no. Observed: 82 variant alleles. Study: ClinSeq. Not counted in ClinVar's aggregate classification.
ClinVar note: Converted during submission from no known pathogenicity to Benign.

Clinical Genetics DNA and cytogenetics Diagnostics Lab, Erasmus MC, Erasmus Medical Center
Classification: Benign. Review status: no assertion criteria provided. Collection method: clinical testing. Allele origin: germline. Affected: yes. Study: VKGL Data-share Consensus. Not counted in ClinVar's aggregate classification.

Clinical Genetics, Academic Medical Center
Classification: Benign. Review status: no assertion criteria provided. Collection method: clinical testing. Allele origin: germline. Affected: yes. Study: VKGL Data-share Consensus. Not counted in ClinVar's aggregate classification.

Department of Pathology and Laboratory Medicine, Sinai Health System
Classification: Benign for Familial multiple polyposis syndrome. Review status: no assertion criteria provided. Collection method: clinical testing. Allele origin: unknown. Affected: yes. Study: The Canadian Open Genetics Repository (COGR). Not counted in ClinVar's aggregate classification.
Comment: The p.Gln338His variant was not identified in the literature. The p.Gln338 residue is not conserved in mammals and this variant is listed in dbSNP as a common polymorphism in different populations of origin with an average heterozygosity reported as 0.403+/-0.198 (dbSNP#: rs3219489), increasing the likelihood that the variant has no clinical significance. In summary, based on the above information, this variant is classified as benign.

Diagnostic Laboratory, Department of Genetics, University Medical Center Groningen
Classification: Benign. Review status: no assertion criteria provided. Collection method: clinical testing. Allele origin: germline. Affected: yes. Study: VKGL Data-share Consensus. Not counted in ClinVar's aggregate classification.

Joint Genome Diagnostic Labs from Nijmegen and Maastricht, Radboudumc and MUMC+
Classification: Benign. Review status: no assertion criteria provided. Collection method: clinical testing. Allele origin: germline. Affected: yes. Study: VKGL Data-share Consensus. Not counted in ClinVar's aggregate classification.

Mayo Clinic Laboratories, Mayo Clinic
Classification: Benign. Review status: no assertion criteria provided. Collection method: clinical testing. Allele origin: unknown. Not counted in ClinVar's aggregate classification.

Literature cited by the submitters: PubMed 24039736 (cited by Pathway Genomics); PubMed 18271935 (cited by Pathway Genomics); PubMed 22922830 (cited by Pathway Genomics); PubMed 24728327 (cited by ITMI).

NM_001048174.2(MUTYH):c.930G>C (p.Gln310His)

Gene: MUTYH (mutY DNA glycosylase; minus strand). Cytogenetic location: 1p34.1.
Variant type: single nucleotide variant.
Coding change: c.930G>C on transcript NM_001048174.2 (MANE Select); coding-DNA position 930, G replaced by C.
Protein change: p.Gln310His; replaces glutamine 310 with histidine.
Molecular consequence: missense variant. On other transcripts: non-coding transcript variant (2).
Genome position (GRCh38, 1-based): chr1:45,331,833, C>G on the plus strand (G>C on the coding strand, the complement: MUTYH is on the minus strand). VCF-style: chr1-45331833-C-G. GRCh37 (hg19) VCF-style: chr1-45797505-C-G.
Other names: c.930G>C, p.Gln310His (NM_001048171.2, NM_001048173.2, NM_001293195.2); c.933G>C, p.Gln311His (NM_001048172.2); c.1014G>C, p.Gln338His (NM_001128425.2); c.975G>C, p.Gln325His (NM_001293190.2); c.963G>C, p.Gln321His (NM_001293191.2); c.654G>C, p.Gln218His (NM_001293192.2, NM_001293196.2); c.585G>C, p.Gln195His (NM_001350650.2, NM_001350651.2); c.1005G>C, p.Gln335His (NM_012222.3); short protein forms Q338H, Q324H, Q310H, Q321H, Q335H, Q195H, Q311H, Q325H.
Identifiers: ClinVar variation 41767 (VCV000041767.58), dbSNP rs3219489, ClinGen allele CA011883.